The following is an entry in ClinVar:

ClinVar aggregate classification (germline): Conflicting classifications of pathogenicity. Review status: criteria provided, conflicting classifications (1 of 4 stars). 3 submissions from 3 submitters: Pathogenic (1); Uncertain significance (2). Last evaluated 2025-08-17.

Conditions:
Hereditary cancer-predisposing syndrome. Also called: Hereditary Cancer Syndrome; Hereditary neoplastic syndrome; Tumor predisposition; Neoplastic Syndromes, Hereditary. Identifiers: Orphanet 140162, MedGen C0027672, MeSH D009386, MONDO:0015356.
Neurofibromatosis, type 1 (NF1). Also called: VON RECKLINGHAUSEN DISEASE; NEUROFIBROMATOSIS, TYPE I, SOMATIC; Peripheral type neurofibromatosis; Neurofibromatosis, type I. Identifiers: Orphanet 636, MedGen C0027831, MONDO:0018975, OMIM 162200. Disease mechanism: loss of function.

Submissions (3):

Labcorp Genetics (formerly Invitae), Labcorp
Classification: Pathogenic for Neurofibromatosis, type 1. Last evaluated: 2025-08-17. Review status: criteria provided, single submitter. Criteria: Invitae Variant Classification Sherloc (09022015). Collection method: clinical testing. Allele origin: germline.
Comment: This sequence change replaces glutamine, which is neutral and polar, with arginine, which is basic and polar, at codon 1255 of the NF1 protein (p.Gln1255Arg). This variant is not present in population databases (gnomAD no frequency). This missense change has been observed in individual(s) with neurofibromatosis type 1 (PMID: 21520333; internal data). In at least one individual the variant was observed to be de novo. Invitae Evidence Modeling of clinical and family history, age, sex, and reported ancestry of multiple individuals with this NF1 variant has been performed. This variant is expected to be pathogenic with a positive predictive value of at least 99%. This is a validated machine learning model that incorporates the clinical features of 1,785,918 individuals referred to our laboratory for NF1 testing. ClinVar contains an entry for this variant (Variation ID: 457666). Invitae Evidence Modeling of protein sequence and biophysical properties (such as structural, functional, and spatial information, amino acid conservation, physicochemical variation, residue mobility, and thermodynamic stability) indicates that this missense variant is expected to disrupt NF1 protein function with a positive predictive value of 95%. For these reasons, this variant has been classified as Pathogenic.

Genome-Nilou Lab
Classification: Uncertain significance for Neurofibromatosis, type 1. Last evaluated: 2022-03-15. Review status: criteria provided, single submitter. Criteria: ACMG Guidelines, 2015. Collection method: clinical testing. Allele origin: germline. Affected: no.

Ambry Genetics
Classification: Uncertain significance for Hereditary cancer-predisposing syndrome. Last evaluated: 2015-12-15. Review status: criteria provided, single submitter. Criteria: Ambry Autosomal Dominant and X-Linked criteria (10/2015). Collection method: clinical testing. Allele origin: germline. Observed: 1 variant allele.
Comment: The p.Q1255R variant (also known as c.3764A>G), located in coding exon 28 of the NF1 gene, results from an A to G substitution at nucleotide position 3764. The glutamine at codon 1255 is replaced by arginine, an amino acid with highly similar properties. This variant was not reported in population based cohorts in the following databases: Database of Single Nucleotide Polymorphisms (dbSNP), NHLBI Exome Sequencing Project (ESP), and 1000 Genomes Project. In the ESP, this variant was not observed in 6503 samples (13006 alleles) with coverage at this position. To date, this alteration has been detected with an allele frequency of approximately 0.001% (greater than 110000 alleles tested) in our clinical cohort.This amino acid position is highly conserved in available vertebrate species. In addition, this alteration is predicted to be deleterious by in silico analysis.Since supporting evidence is limited at this time, the clinical significance of p.Q1255Rremains unclear.

Literature cited by the submitters: PubMed 21520333 (cited by Labcorp Genetics (formerly Invitae), Labcorp).

NM_001042492.3(NF1):c.3764A>G (p.Gln1255Arg)

Gene: NF1 (neurofibromin 1; plus strand). Cytogenetic location: 17q11.2.
Variant type: single nucleotide variant.
Coding change: c.3764A>G on transcript NM_001042492.3 (MANE Select); coding-DNA position 3764, A replaced by G.
Protein change: p.Gln1255Arg; replaces glutamine 1255 with arginine.
Molecular consequence: missense variant.
Genome position (GRCh38, 1-based): chr17:31,235,666, A>G. VCF-style: chr17-31235666-A-G. GRCh37 (hg19) VCF-style: chr17-29562684-A-G.
Other names: c.3764A>G, p.Gln1255Arg (NM_000267.4); short protein forms Q1255R.
Identifiers: ClinVar variation 457666 (VCV000457666.8), dbSNP rs1555615453, ClinGen allele CA398992514.